The following is an entry in ClinVar:

NM_001379200.1(TBX1):c.761A>G (p.Tyr254Cys)

Gene: TBX1 (T-box transcription factor 1; plus strand). Cytogenetic location: 22q11.21.
Variant type: single nucleotide variant.
Coding change: c.761A>G on transcript NM_001379200.1 (MANE Select); coding-DNA position 761, A replaced by G.
Protein change: p.Tyr254Cys; replaces tyrosine 254 with cysteine.
Molecular consequence: missense variant.
Genome position (GRCh38, 1-based): chr22:19,765,007, A>G. VCF-style: chr22-19765007-A-G. GRCh37 (hg19) VCF-style: chr22-19752530-A-G.
Other names: c.734A>G, p.Tyr245Cys (NM_005992.1, NM_080646.2, NM_080647.1); short protein forms Y245C, Y254C.
Identifiers: ClinVar variation 2160532 (VCV002160532.4), dbSNP rs533732094, ClinGen allele CA410683324.

ClinVar aggregate classification (germline): Uncertain significance (1 of 4 stars; one submission).

Conditions:
DiGeorge syndrome. Also called: THIRD AND FOURTH PHARYNGEAL POUCH SYNDROME; Catch22. Identifiers: Orphanet 567, MedGen C0012236, MONDO:0008564, OMIM 188400.

gnomAD v4.1: 2 of 1,614,184 alleles (0.00012%); highest among the groups gnomAD compares: East Asian, 0.0022%; no homozygotes.

Submission:

Labcorp Genetics (formerly Invitae), Labcorp
Classification: Uncertain significance for DiGeorge syndrome. Last evaluated: 2022-04-10. Review status: criteria provided, single submitter. Criteria: Invitae Variant Classification Sherloc (09022015). Collection method: clinical testing. Allele origin: germline.
Comment: In summary, the available evidence is currently insufficient to determine the role of this variant in disease. Therefore, it has been classified as a Variant of Uncertain Significance. Algorithms developed to predict the effect of missense changes on protein structure and function are either unavailable or do not agree on the potential impact of this missense change (SIFT: "Deleterious"; PolyPhen-2: "Probably Damaging"; Align-GVGD: "Class C0"). This variant has not been reported in the literature in individuals affected with TBX1-related conditions. This variant is present in population databases (no rsID available, gnomAD 0.006%). This sequence change replaces tyrosine, which is neutral and polar, with cysteine, which is neutral and slightly polar, at codon 245 of the TBX1 protein (p.Tyr245Cys).